The following is an entry in ClinVar:

NM_130384.3(ATRIP):c.187C>T (p.Leu63Phe)

Genes: ATRIP (ATR interacting protein; plus strand), ATRIP-TREX1 (ATRIP-TREX1 readthrough; plus strand), LOC129936703 (ATAC-STARR-seq lymphoblastoid silent region 14331; plus strand). Cytogenetic location: 3p21.31.
Variant type: single nucleotide variant.
Coding change: c.187C>T on transcript NM_130384.3 (MANE Select); coding-DNA position 187, C replaced by T.
Protein change: p.Leu63Phe; replaces leucine 63 with phenylalanine.
Molecular consequence: missense variant. On other transcripts: non-coding transcript variant (1), intron variant (1).
Genome position (GRCh38, 1-based): chr3:48,447,032, C>T. VCF-style: chr3-48447032-C-T. GRCh37 (hg19) VCF-style: chr3-48488436-C-T.
Other names: c.187C>T, p.Leu63Phe (NM_032166.4); c.-218+233C>T (NM_001271022.2); short protein forms L63F.
Identifiers: ClinVar variation 3810510 (VCV003810510.1).

ClinVar aggregate classification (germline): Uncertain significance (1 of 4 stars; one submission).

gnomAD v4.1: 5 of 1,564,856 alleles (0.00032%); highest among the groups gnomAD compares: Non-Finnish European, 0.00043%; no homozygotes.

Submission:

Ambry Genetics
Classification: Uncertain significance. Last evaluated: 2025-02-06. Review status: criteria provided, single submitter. Criteria: Ambry Variant Classification Scheme 2023. Collection method: clinical testing. Allele origin: germline.
Comment: The p.L63F variant (also known as c.187C>T), located in coding exon 1 of the ATRIP gene, results from a C to T substitution at nucleotide position 187. The leucine at codon 63 is replaced by phenylalanine, an amino acid with highly similar properties. This amino acid position is conserved. In addition, this alteration is predicted to be tolerated by in silico analysis. Based on the available evidence, the clinical significance of this variant remains unclear.